The following is an entry in ClinVar:

ClinVar aggregate classification (germline): Likely pathogenic. Review status: criteria provided, multiple submitters, no conflicts (2 of 4 stars). 3 submissions from 3 submitters: Likely pathogenic (3). Last evaluated 2025-08-29.

Conditions:
Ehlers-Danlos syndrome, dermatosparaxis type. Also called: Dermatosparaxis; EDS VIIC; Ehlers-Danlos syndrome, type VII, autosomal recessive. Identifiers: Orphanet 1901, MedGen C2700425, MONDO:0009161, OMIM 225410.

Allele frequency attached by ClinVar (database versions not stated): gnomAD exomes below 0.00001; gnomAD 0.00002.
gnomAD v4.1: 4 of 1,612,972 alleles (0.00025%); highest among the groups gnomAD compares: African/African-American, 0.0013%; no homozygotes.

Submissions (3):

Myriad Genetics, Inc.
Classification: Likely pathogenic for Ehlers-Danlos syndrome, dermatosparaxis type. Last evaluated: 2025-08-29. Review status: criteria provided, single submitter. Criteria: Myriad Autosomal Dominant, Autosomal Recessive and X-Linked Classification Criteria (2023). Collection method: clinical testing. Allele origin: unknown.
Comment: NM_014244.4(ADAMTS2):c.2085+1G>T is a variant in a canonical splice site classified as likely pathogenic in the context of Ehlers-Danlos syndrome, ADAMTS2-related. c.2085+1G>T has not been observed in cases with relevant disease. Relevant functional assessments of this variant are not available in the literature. c.2085+1G>T has not been observed in referenced population frequency databases. In summary, NM_014244.4(ADAMTS2):c.2085+1G>T is a variant in a canonical splice site in a gene where loss of function is a known mechanism of disease and is predicted to disrupt protein function. Please note: this variant was assessed in the context of healthy population screening.

Natera, Inc.
Classification: Likely pathogenic for Ehlers-Danlos syndrome type VIIC. Last evaluated: 2025-04-23. Review status: criteria provided, single submitter. Criteria: Natera Variant Classification Schema (03/2026). Collection method: clinical testing. Allele origin: germline.
Comment: The c.2085+1G>T variant in ADAMTS2 is a canonical splice donor site variant predicted to affect pre-mRNA splicing, which may result in an abnormal transcript and altered protein product. This variant is expected to result in nonsense mediated decay, truncation, or a dysfunctional protein product. This variant is rare in the general population with a frequency below the threshold expected for the associated phenotype(s). Given the available evidence, this variant is classified as Likely Pathogenic.

Labcorp Genetics (formerly Invitae), Labcorp
Classification: Likely pathogenic for Ehlers-Danlos syndrome, dermatosparaxis type. Last evaluated: 2025-01-22. Review status: criteria provided, single submitter. Criteria: Invitae Variant Classification Sherloc (09022015). Collection method: clinical testing. Allele origin: germline.
Comment: This sequence change affects a donor splice site in intron 13 of the ADAMTS2 gene. It is expected to disrupt RNA splicing. Variants that disrupt the donor or acceptor splice site typically lead to a loss of protein function (PMID: 16199547), and loss-of-function variants in ADAMTS2 are known to be pathogenic (PMID: 10417273). This variant is not present in population databases (gnomAD no frequency). This variant has not been reported in the literature in individuals affected with ADAMTS2-related conditions. ClinVar contains an entry for this variant (Variation ID: 847713). Algorithms developed to predict the effect of sequence changes on RNA splicing suggest that this variant may disrupt the consensus splice site. In summary, the currently available evidence indicates that the variant is pathogenic, but additional data are needed to prove that conclusively. Therefore, this variant has been classified as Likely Pathogenic.

Literature cited by the submitters: PubMed 16199547 (cited by Labcorp Genetics (formerly Invitae), Labcorp); PubMed 10417273 (cited by Labcorp Genetics (formerly Invitae), Labcorp).

NM_014244.5(ADAMTS2):c.2085+1G>T

Gene: ADAMTS2 (ADAM metallopeptidase with thrombospondin type 1 motif 2; minus strand). Cytogenetic location: 5q35.3.
Variant type: single nucleotide variant.
Coding change: c.2085+1G>T on transcript NM_014244.5 (MANE Select); the canonical splice donor site of the intron after coding-DNA position 2085, G replaced by T.
Molecular consequence: splice donor variant.
Genome position (GRCh38, 1-based): chr5:179,135,908, C>A on the plus strand (G>T on the coding strand, the complement: ADAMTS2 is on the minus strand). VCF-style: chr5-179135908-C-A. GRCh37 (hg19) VCF-style: chr5-178562909-C-A.
Identifiers: ClinVar variation 847713 (VCV000847713.15), dbSNP rs1763059235, ClinGen allele CA362425350.